The following is an entry in ClinVar:

ClinVar aggregate classification (germline): Pathogenic. Review status: criteria provided, multiple submitters, no conflicts (2 of 4 stars). 4 submissions from 4 submitters: Pathogenic (2). 2 of the submissions do not count toward it. Last evaluated 2024-02-16.

Conditions:
GLRA1-related disorders.
Hyperekplexia 1 (STHE). Also called: HYPEREKPLEXIA 1, AUTOSOMAL DOMINANT; HYPEREKPLEXIA 1, AUTOSOMAL RECESSIVE; EXAGGERATED STARTLE REACTION; KOK DISEASE; STARTLE DISEASE, FAMILIAL; STIFF-BABY SYNDROME. Identifiers: Orphanet 3197, MedGen C4551954, MONDO:0007868, OMIM 149400.
Hereditary hyperekplexia. Identifiers: Orphanet 3197, MedGen C4084968, MONDO:0021022.

Allele frequency attached by ClinVar (database versions not stated): gnomAD below 0.00001 and 0.00001; TOPMed below 0.00001.
gnomAD v4.1: 5 of 1,614,016 alleles (0.00031%); highest among the groups gnomAD compares: South Asian, 0.0033%; no homozygotes.

Submissions (4):

Labcorp Genetics (formerly Invitae), Labcorp
Classification: Pathogenic for Hereditary hyperekplexia. Last evaluated: 2024-02-16. Review status: criteria provided, single submitter. Criteria: Invitae Variant Classification Sherloc (09022015). Collection method: clinical testing. Allele origin: germline.
Comment: This sequence change creates a premature translational stop signal (p.Tyr230*) in the GLRA1 gene. It is expected to result in an absent or disrupted protein product. Loss-of-function variants in GLRA1 are known to be pathogenic (PMID: 20631190, 24108130). This variant is not present in population databases (gnomAD no frequency). This premature translational stop signal has been observed in individual(s) with autosomal recessive hyperekplexia (PMID: 11702206). This variant is also known as C986A. ClinVar contains an entry for this variant (Variation ID: 16069). For these reasons, this variant has been classified as Pathogenic.

Blueprint Genetics
Classification: Pathogenic for GLRA1-related disorders. Last evaluated: 2023-05-09. Review status: criteria provided, single submitter. Criteria: ACMG Guidelines, 2015. Collection method: clinical testing. Allele origin: germline. Affected: yes. Observed: 3 variant alleles.

GeneReviews
Classification: Pathogenic for Hyperekplexia. Last evaluated: 2012-10-04. Review status: no assertion criteria provided. Collection method: curation. Allele origin: unknown. Not counted in ClinVar's aggregate classification.
ClinVar note: Converted during submission from pathologic to Pathogenic.

OMIM
Classification: Pathogenic for HYPEREKPLEXIA 1, AUTOSOMAL RECESSIVE. Last evaluated: 2001-09-01. Review status: no assertion criteria provided. Collection method: literature only. Allele origin: germline. Not counted in ClinVar's aggregate classification.

Literature cited by the submitters: PubMed 20631190 (cited by Labcorp Genetics (formerly Invitae), Labcorp); PubMed 24108130 (cited by Labcorp Genetics (formerly Invitae), Labcorp); PubMed 11702206 (cited by Labcorp Genetics (formerly Invitae), Labcorp and OMIM); PubMed 8651283 (cited by OMIM); PubMed 7874121 (cited by OMIM).

NM_000171.4(GLRA1):c.690C>A (p.Tyr230Ter)

Gene: GLRA1 (glycine receptor alpha 1; minus strand). Cytogenetic location: 5q33.1.
Variant type: single nucleotide variant.
Coding change: c.690C>A on transcript NM_000171.4 (MANE Select); coding-DNA position 690, C replaced by A.
Protein change: p.Tyr230Ter; replaces tyrosine 230 with a stop codon.
Molecular consequence: nonsense.
Genome position (GRCh38, 1-based): chr5:151,855,047, G>T on the plus strand (C>A on the coding strand, the complement: GLRA1 is on the minus strand). VCF-style: chr5-151855047-G-T. GRCh37 (hg19) VCF-style: chr5-151234608-G-T.
Other names: Y202*; C986A; c.690C>A, p.Tyr230Ter (NM_001146040.2); c.441C>A, p.Tyr147Ter (NM_001292000.2); short protein forms Y230*, Y147*.
Identifiers: ClinVar variation 16069 (VCV000016069.8), dbSNP rs121918415, ClinGen allele CA341371.